The following is an entry in ClinVar:

NM_021098.3(CACNA1H):c.644-3C>T

Gene: CACNA1H (calcium voltage-gated channel subunit alpha1 H; plus strand). Cytogenetic location: 16p13.3.
Variant type: single nucleotide variant.
Coding change: c.644-3C>T on transcript NM_021098.3 (MANE Select); 3 bases into the intron before coding-DNA position 644, C replaced by T.
Molecular consequence: intron variant.
Genome position (GRCh38, 1-based): chr16:1,198,612, C>T. VCF-style: chr16-1198612-C-T. GRCh37 (hg19) VCF-style: chr16-1248612-C-T.
Other names: c.644-3C>T (NM_001005407.2).
Identifiers: ClinVar variation 3384869 (VCV003384869.4).
Genomic context (GRCh38, chr16:1,198,612, plus strand): 5'-CTGCAGCCCCGAGGACACTCCTGCAGGGCTTAGCAGTGCCAATCCTGGCCCTGCTGCCCA[C>T]AGGCATGCGGATCCTGGTCACTCTGCTGCTGGATACGCTGCCCATGCTCGGGAACGTCCT-3'

ClinVar aggregate classification (germline): Conflicting classifications of pathogenicity. Review status: criteria provided, conflicting classifications (1 of 4 stars). 3 submissions from 3 submitters: Uncertain significance (2); Likely benign (1). Last evaluated 2024-10-08.

Conditions:
Idiopathic generalized epilepsy. Also called: EIG; Generalised epilepsy. Identifiers: MedGen C0270850, MONDO:0005579, OMIM 600669.
Hyperaldosteronism, familial, type IV (HALD4). Also called: FH IV; ALDOSTERONISM, PRIMARY, AND HYPERTENSION. Identifiers: Orphanet 642671, MedGen C4310756, MONDO:0014875, OMIM 617027.

gnomAD v4.1: 4 of 1,612,530 alleles (0.00025%); highest among the groups gnomAD compares: African/African-American, 0.0013%; no homozygotes.

Submissions (3):

Women's Health and Genetics/Laboratory Corporation of America, LabCorp
Classification: Uncertain significance. Last evaluated: 2024-10-08. Review status: criteria provided, single submitter. Criteria: LabCorp Variant Classification Summary - May 2015. Collection method: clinical testing. Allele origin: germline.
Comment: Variant summary: CACNA1H c.644-3C>T alters a conserved nucleotide located close to a canonical splice site and therefore could affect mRNA splicing, leading to a significantly altered protein sequence. Consensus agreement among computation tools predict no significant impact on normal splicing. However, these predictions have yet to be confirmed by functional studies. The variant was absent in 248460 control chromosomes. The available data on variant occurrences in the general population are insufficient to allow any conclusion about variant significance. To our knowledge, no occurrence of c.644-3C>T in individuals affected with Idiopathic Generalized Epilepsy and no experimental evidence demonstrating its impact on protein function have been reported. No submitters have cited clinical-significance assessments for this variant to ClinVar. Based on the evidence outlined above, the variant was classified as uncertain significance.

Labcorp Genetics (formerly Invitae), Labcorp
Classification: Uncertain significance for Idiopathic generalized epilepsy; Hyperaldosteronism, familial, type IV. Last evaluated: 2024-03-26. Review status: criteria provided, single submitter. Criteria: Invitae Variant Classification Sherloc (09022015). Collection method: clinical testing. Allele origin: germline.
Comment: This sequence change falls in intron 5 of the CACNA1H gene. It does not directly change the encoded amino acid sequence of the CACNA1H protein. It affects a nucleotide within the consensus splice site. This variant is not present in population databases (gnomAD no frequency). This variant has not been reported in the literature in individuals affected with CACNA1H-related conditions. Variants that disrupt the consensus splice site are a relatively common cause of aberrant splicing (PMID: 17576681, 9536098). Algorithms developed to predict the effect of sequence changes on RNA splicing suggest that this variant is not likely to affect RNA splicing. In summary, the available evidence is currently insufficient to determine the role of this variant in disease. Therefore, it has been classified as a Variant of Uncertain Significance.

Blueprint Genetics
Classification: Likely benign. Last evaluated: 2020-09-24. Review status: criteria provided, single submitter. Criteria: ACMG Guidelines, 2015. Collection method: clinical testing. Allele origin: germline.

Literature cited by the submitters: PubMed 17576681 (cited by Labcorp Genetics (formerly Invitae), Labcorp); PubMed 9536098 (cited by Labcorp Genetics (formerly Invitae), Labcorp).